The following is an entry in ClinVar:

NM_000214.3(JAG1):c.1871delinsGA (p.Thr624fs)

Gene: JAG1 (jagged canonical Notch ligand 1; minus strand). Cytogenetic location: 20p12.2.
Variant type: Indel.
Coding change: c.1871delinsGA on transcript NM_000214.3 (MANE Select); coding-DNA position 1871, C replaced by GA.
Protein change: p.Thr624fs; shifts the reading frame from threonine 624.
Molecular consequence: frameshift variant.
Genome position (GRCh38, 1-based): chr20:10,646,953, G replaced by TC on the plus strand (C replaced by GA on the coding strand, the reverse complement: JAG1 is on the minus strand). VCF-style: chr20-10646953-G-TC. GRCh37 (hg19) VCF-style: chr20-10627601-G-TC.
Other names: short protein forms T624fs.
Identifiers: ClinVar variation 2628418 (VCV002628418.1), dbSNP rs2514515560, ClinGen allele CA2695201374.

ClinVar aggregate classification (germline): Likely pathogenic (1 of 4 stars; one submission).

Conditions:
JAG1-related disorder. Also called: JAG1-related condition; JAG1-related disorders.

Submission:

PreventionGenetics, part of Exact Sciences
Classification: Likely pathogenic for JAG1-related condition. Last evaluated: 2022-09-14. Review status: criteria provided, single submitter. Criteria: ACMG Guidelines, 2015. Collection method: clinical testing. Allele origin: germline.
Comment: The JAG1 c.1871delinsGA variant is predicted to result in a frameshift and premature protein termination (p.Thr624Argfs*5). To our knowledge, this variant has not been reported in the literature or in a large population database, indicating this variant is rare. Frameshift variants in JAG1 are expected to be pathogenic. This variant is interpreted as likely pathogenic.